The following is an entry in ClinVar:

NM_000096.4(CP):c.2809A>G (p.Thr937Ala)

Gene: CP (ceruloplasmin; minus strand). Cytogenetic location: 3q24.
Variant type: single nucleotide variant.
Coding change: c.2809A>G on transcript NM_000096.4 (MANE Select); coding-DNA position 2809, A replaced by G.
Protein change: p.Thr937Ala; replaces threonine 937 with alanine.
Molecular consequence: missense variant. On other transcripts: non-coding transcript variant (1).
Genome position (GRCh38, 1-based): chr3:149,178,484, T>C on the plus strand (A>G on the coding strand, the complement: CP is on the minus strand). VCF-style: chr3-149178484-T-C. GRCh37 (hg19) VCF-style: chr3-148896271-T-C.
Other names: short protein forms T937A.
Identifiers: ClinVar variation 4799006 (VCV004799006.1).
Genomic context (GRCh38, chr3:149,178,484, plus strand): 5'-TATTGCTTTCTATGAATTCCTCATCATCTTTGTTTACTTTCTCGGGGTGATCAGAGTATG[T>C]TTTGATGTTGTCATCTAAGTACCAAGATTCATTCTCATCAAAAACTAGAAACAGAAGGGC-3'
Protein context (NP_000087.2, residues 927-947): ESWYLDDNIK[Thr937Ala]YSDHPEKVNK

ClinVar aggregate classification (germline): Uncertain significance (1 of 4 stars; one submission).

Conditions:
Deficiency of ferroxidase (ACEP). Also called: Ceruloplasmin deficiency; Familial apoceruloplasmin deficiency; Hereditary ceruloplasmin deficiency; Deficiency of ceruloplasmin; NEURODEGENERATION WITH BRAIN IRON ACCUMULATION 10; Aceruloplasminemia. Identifiers: Orphanet 48818, MedGen C0878682, MONDO:0011426, OMIM 604290, HP:0025498.

gnomAD v4.1: 2 of 1,613,788 alleles (0.00012%); highest among the groups gnomAD compares: Non-Finnish European, 0.00017%; no homozygotes.

Submission:

Labcorp Genetics (formerly Invitae), Labcorp
Classification: Uncertain significance for Deficiency of ferroxidase. Last evaluated: 2025-11-30. Review status: criteria provided, single submitter. Criteria: Invitae Variant Classification Sherloc (09022015). Collection method: clinical testing. Allele origin: germline.
Comment: This sequence change replaces threonine, which is neutral and polar, with alanine, which is neutral and non-polar, at codon 937 of the CP protein (p.Thr937Ala). This variant is not present in population databases (gnomAD no frequency). This variant has not been reported in the literature in individuals affected with CP-related conditions. Invitae Evidence Modeling of protein sequence and biophysical properties (such as structural, functional, and spatial information, amino acid conservation, physicochemical variation, residue mobility, and thermodynamic stability) indicates that this missense variant is not expected to disrupt CP protein function with a negative predictive value of 80%. In summary, the available evidence is currently insufficient to determine the role of this variant in disease. Therefore, it has been classified as a Variant of Uncertain Significance.